The following is an entry in ClinVar:

ClinVar aggregate classification (germline): Uncertain significance (1 of 4 stars; one submission).

Submission:

Labcorp Genetics (formerly Invitae), Labcorp
Classification: Uncertain significance. Last evaluated: 2022-08-13. Review status: criteria provided, single submitter. Criteria: Invitae Variant Classification Sherloc (09022015). Collection method: clinical testing. Allele origin: germline.
Comment: This sequence change replaces leucine, which is neutral and non-polar, with phenylalanine, which is neutral and non-polar, at codon 82 of the TUB protein (p.Leu82Phe). This variant is not present in population databases (gnomAD no frequency). This variant has not been reported in the literature in individuals affected with TUB-related conditions. Algorithms developed to predict the effect of missense changes on protein structure and function are either unavailable or do not agree on the potential impact of this missense change (SIFT: "Deleterious"; PolyPhen-2: "Probably Damaging"; Align-GVGD: "Class C0"). In summary, the available evidence is currently insufficient to determine the role of this variant in disease. Therefore, it has been classified as a Variant of Uncertain Significance.

NM_177972.3(TUB):c.79C>T (p.Leu27Phe)

Gene: TUB (TUB bipartite transcription factor; plus strand). Cytogenetic location: 11p15.4.
Variant type: single nucleotide variant.
Coding change: c.79C>T on transcript NM_177972.3 (MANE Select); coding-DNA position 79, C replaced by T.
Protein change: p.Leu27Phe; replaces leucine 27 with phenylalanine.
Molecular consequence: missense variant.
Genome position (GRCh38, 1-based): chr11:8,089,650, C>T. VCF-style: chr11-8089650-C-T. GRCh37 (hg19) VCF-style: chr11-8111197-C-T.
Other names: c.244C>T, p.Leu82Phe (NM_003320.5); short protein forms L27F, L82F.
Identifiers: ClinVar variation 1716402 (VCV001716402.3), dbSNP rs2539197262, ClinGen allele CA379562410.
Genomic context (GRCh38, chr11:8,089,650, plus strand): 5'-ACCCCTCTTTCGCTCTGCAGTGTCTTAGATGATGAGGGCAGAAACCTGAGGCAGCAGAAG[C>T]TTGATCGGCAGGTGAGTAGGCCTGGGGCCGGGTAGAAGGGAAGAGTCTGGGCTGGGATCT-3'
Protein context (NP_813977.1, residues 17-37): DEGRNLRQQK[Leu27Phe]DRQRALLEQK